The following is an entry in ClinVar:

ClinVar aggregate classification (germline): Uncertain significance (1 of 4 stars; one submission).

Conditions:
Combined immunodeficiency due to LRBA deficiency. Also called: Common variable immunodeficiency 8, with autoimmunity. Identifiers: Orphanet 445018, MedGen C3553512, MONDO:0013863, OMIM 614700.

Submission:

Labcorp Genetics (formerly Invitae), Labcorp
Classification: Uncertain significance for Combined immunodeficiency due to LRBA deficiency. Last evaluated: 2025-03-31. Review status: criteria provided, single submitter. Criteria: Invitae Variant Classification Sherloc (09022015). Collection method: clinical testing. Allele origin: germline.
Comment: This sequence change replaces proline, which is neutral and non-polar, with leucine, which is neutral and non-polar, at codon 2113 of the LRBA protein (p.Pro2113Leu). This variant is not present in population databases (gnomAD no frequency). This variant has not been reported in the literature in individuals affected with LRBA-related conditions. Invitae Evidence Modeling of protein sequence and biophysical properties (such as structural, functional, and spatial information, amino acid conservation, physicochemical variation, residue mobility, and thermodynamic stability) has been performed for this missense variant. However, the output from this modeling did not meet the statistical confidence thresholds required to predict the impact of this variant on LRBA protein function. In summary, the available evidence is currently insufficient to determine the role of this variant in disease. Therefore, it has been classified as a Variant of Uncertain Significance.

NM_001364905.1(LRBA):c.6305C>T (p.Pro2102Leu)

Gene: LRBA (LPS responsive beige-like anchor protein; minus strand). Cytogenetic location: 4q31.3.
Variant type: single nucleotide variant.
Coding change: c.6305C>T on transcript NM_001364905.1 (MANE Select); coding-DNA position 6305, C replaced by T.
Protein change: p.Pro2102Leu; replaces proline 2102 with leucine.
Molecular consequence: missense variant.
Genome position (GRCh38, 1-based): chr4:150,588,073, G>A on the plus strand (C>T on the coding strand, the complement: LRBA is on the minus strand). VCF-style: chr4-150588073-G-A. GRCh37 (hg19) VCF-style: chr4-151509225-G-A.
Other names: c.6305C>T, p.Pro2102Leu (NM_001199282.3, NM_001367550.1, NM_001440431.1); c.6338C>T, p.Pro2113Leu (NM_001440430.1, NM_006726.5); short protein forms P2102L, P2113L.
Identifiers: ClinVar variation 4742994 (VCV004742994.1).